The following is an entry in ClinVar:

NM_173651.4(FSIP2):c.712C>T (p.Arg238Trp)

Gene: FSIP2 (fibrous sheath interacting protein 2; plus strand). Cytogenetic location: 2q32.1.
Variant type: single nucleotide variant.
Coding change: c.712C>T on transcript NM_173651.4 (MANE Select); coding-DNA position 712, C replaced by T.
Protein change: p.Arg238Trp; replaces arginine 238 with tryptophan.
Molecular consequence: missense variant.
Genome position (GRCh38, 1-based): chr2:185,746,763, C>T. VCF-style: chr2-185746763-C-T. GRCh37 (hg19) VCF-style: chr2-186611490-C-T.
Other names: short protein forms R238W.
Identifiers: ClinVar variation 3056516 (VCV003056516.2), dbSNP rs190877383, ClinGen allele CA2016457.

ClinVar aggregate classification (germline): Benign (0 of 4 stars; one submission).

Conditions:
FSIP2-related disorder. Also called: FSIP2-related condition.

Allele frequency attached by ClinVar (database versions not stated): ExAC 0.00125; 1000 Genomes Project 0.00459; 1000 Genomes Project 30x 0.00484; TOPMed 0.00601.

Submission:

PreventionGenetics, part of Exact Sciences
Classification: Benign for FSIP2-related condition. Last evaluated: 2024-05-16. Review status: no assertion criteria provided. Collection method: clinical testing. Allele origin: germline.
Comment: This variant is classified as benign based on ACMG/AMP sequence variant interpretation guidelines (Richards et al. 2015 PMID: 25741868, with internal and published modifications).